The following is an entry in ClinVar:

NM_004750.5(CRLF1):c.1018C>G (p.Arg340Gly)

Gene: CRLF1 (cytokine receptor like factor 1; minus strand). Cytogenetic location: 19p13.11.
Variant type: single nucleotide variant.
Coding change: c.1018C>G on transcript NM_004750.5 (MANE Select); coding-DNA position 1018, C replaced by G.
Protein change: p.Arg340Gly; replaces arginine 340 with glycine.
Molecular consequence: missense variant.
Genome position (GRCh38, 1-based): chr19:18,596,628, G>C on the plus strand (C>G on the coding strand, the complement: CRLF1 is on the minus strand). VCF-style: chr19-18596628-G-C. GRCh37 (hg19) VCF-style: chr19-18707438-G-C.
Other names: short protein forms R340G.
Identifiers: ClinVar variation 1975554 (VCV001975554.5), dbSNP rs771459625, ClinGen allele CA306260277.

ClinVar aggregate classification (germline): Uncertain significance (1 of 4 stars; one submission).

gnomAD v4.1: 2 of 1,613,822 alleles (0.00012%); no homozygotes.

Submission:

Labcorp Genetics (formerly Invitae), Labcorp
Classification: Uncertain significance. Last evaluated: 2022-11-28. Review status: criteria provided, single submitter. Criteria: Invitae Variant Classification Sherloc (09022015). Collection method: clinical testing. Allele origin: germline.
Comment: In summary, the available evidence is currently insufficient to determine the role of this variant in disease. Therefore, it has been classified as a Variant of Uncertain Significance. Advanced modeling of protein sequence and biophysical properties (such as structural, functional, and spatial information, amino acid conservation, physicochemical variation, residue mobility, and thermodynamic stability) performed at Invitae indicates that this missense variant is not expected to disrupt CRLF1 protein function. This variant has not been reported in the literature in individuals affected with CRLF1-related conditions. This variant is not present in population databases (gnomAD no frequency). This sequence change replaces arginine, which is basic and polar, with glycine, which is neutral and non-polar, at codon 340 of the CRLF1 protein (p.Arg340Gly).